The following is an entry in ClinVar:

ClinVar aggregate classification (germline): Uncertain significance (1 of 4 stars; one submission).

Allele frequency attached by ClinVar (database versions not stated): gnomAD exomes below 0.00001; gnomAD 0.00001.
gnomAD v4.1: 3 of 1,597,452 alleles (0.00019%); highest among the groups gnomAD compares: Admixed American, 0.0017%; no homozygotes.

Submission:

Labcorp Genetics (formerly Invitae), Labcorp
Classification: Uncertain significance. Last evaluated: 2024-11-11. Review status: criteria provided, single submitter. Criteria: Invitae Variant Classification Sherloc (09022015). Collection method: clinical testing. Allele origin: germline.
Comment: This sequence change replaces lysine, which is basic and polar, with arginine, which is basic and polar, at codon 705 of the SZT2 protein (p.Lys705Arg). This variant is present in population databases (no rsID available, gnomAD 0.003%). This variant has not been reported in the literature in individuals affected with SZT2-related conditions. ClinVar contains an entry for this variant (Variation ID: 1364914). Invitae Evidence Modeling of protein sequence and biophysical properties (such as structural, functional, and spatial information, amino acid conservation, physicochemical variation, residue mobility, and thermodynamic stability) has been performed for this missense variant. However, the output from this modeling did not meet the statistical confidence thresholds required to predict the impact of this variant on SZT2 protein function. In summary, the available evidence is currently insufficient to determine the role of this variant in disease. Therefore, it has been classified as a Variant of Uncertain Significance.

NM_001365999.1(SZT2):c.2114A>G (p.Lys705Arg)

Gene: SZT2 (SZT2 subunit of KICSTOR complex; plus strand). Cytogenetic location: 1p34.2.
Variant type: single nucleotide variant.
Coding change: c.2114A>G on transcript NM_001365999.1 (MANE Select); coding-DNA position 2114, A replaced by G.
Protein change: p.Lys705Arg; replaces lysine 705 with arginine.
Molecular consequence: missense variant.
Genome position (GRCh38, 1-based): chr1:43,423,175, A>G. VCF-style: chr1-43423175-A-G. GRCh37 (hg19) VCF-style: chr1-43888846-A-G.
Other names: c.2114A>G, p.Lys705Arg (NM_015284.4); short protein forms K705R.
Identifiers: ClinVar variation 1364914 (VCV001364914.5), dbSNP rs760218399, ClinGen allele CA340011108.